The following is an entry in ClinVar:

ClinVar aggregate classification (germline): Uncertain significance. Review status: criteria provided, multiple submitters, no conflicts (2 of 4 stars). 2 submissions from 2 submitters: Uncertain significance (2). Last evaluated 2022-10-03.

Conditions:
Inborn genetic diseases. Identifiers: MedGen C0950123, MeSH D030342.

Allele frequency attached by ClinVar (database versions not stated): gnomAD exomes 0.00001; ExAC 0.00002; gnomAD 0.00002; TOPMed 0.00004; 1000 Genomes Project 30x 0.00016; 1000 Genomes Project 0.00020.
gnomAD v4.1: 25 of 1,614,118 alleles (0.0015%); highest among the groups gnomAD compares: African/African-American, 0.012%; no homozygotes.

Submissions (2):

Ambry Genetics
Classification: Uncertain significance for Inborn genetic diseases. Last evaluated: 2022-10-03. Review status: criteria provided, single submitter. Criteria: Ambry Variant Classification Scheme 2023. Collection method: clinical testing. Allele origin: germline.

Labcorp Genetics (formerly Invitae), Labcorp
Classification: Uncertain significance. Last evaluated: 2022-08-31. Review status: criteria provided, single submitter. Criteria: Invitae Variant Classification Sherloc (09022015). Collection method: clinical testing. Allele origin: germline.
Comment: This sequence change replaces isoleucine, which is neutral and non-polar, with valine, which is neutral and non-polar, at codon 1354 of the FAT4 protein (p.Ile1354Val). This variant is present in population databases (rs200273982, gnomAD 0.01%). This variant has not been reported in the literature in individuals affected with FAT4-related conditions. ClinVar contains an entry for this variant (Variation ID: 1488405). Algorithms developed to predict the effect of missense changes on protein structure and function are either unavailable or do not agree on the potential impact of this missense change (SIFT: "Deleterious"; PolyPhen-2: "Benign"; Align-GVGD: "Class C25"). In summary, the available evidence is currently insufficient to determine the role of this variant in disease. Therefore, it has been classified as a Variant of Uncertain Significance.

NM_001291303.3(FAT4):c.4060A>G (p.Ile1354Val)

Gene: FAT4 (FAT atypical cadherin 4; plus strand). Cytogenetic location: 4q28.1.
Variant type: single nucleotide variant.
Coding change: c.4060A>G on transcript NM_001291303.3 (MANE Select); coding-DNA position 4060, A replaced by G.
Protein change: p.Ile1354Val; replaces isoleucine 1354 with valine.
Molecular consequence: missense variant.
Genome position (GRCh38, 1-based): chr4:125,320,471, A>G. VCF-style: chr4-125320471-A-G. GRCh37 (hg19) VCF-style: chr4-126241626-A-G.
Other names: c.4060A>G, p.Ile1354Val (NM_001291285.3, NM_024582.6); c.4060A>G (NM_024582.4); short protein forms I1354V.
Identifiers: ClinVar variation 1488405 (VCV001488405.6), dbSNP rs200273982, ClinGen allele CA3072405.